The following is an entry in ClinVar:

ClinVar aggregate classification (germline): Uncertain significance (1 of 4 stars; one submission).

Conditions:
Autosomal recessive spinocerebellar ataxia 12. Also called: SPINOCEREBELLAR ATAXIA WITH MENTAL RETARDATION AND EPILEPSY. Identifiers: Orphanet 284282, MedGen C3280452, MONDO:0013687, OMIM 614322.
Developmental and epileptic encephalopathy, 1 (DEE1). Also called: Tonic spasms with clustering, arrest of psychomotor development and hypsarrhythmia on EEG; X-Linked Infantile Spasm Syndrome; X-linked infantile spasms; West's syndrome; OHTAHARA SYNDROME, X-LINKED; Epileptic encephalopathy, early infantile, 1. Identifiers: MedGen C3463992, MONDO:0010632, OMIM 308350. Disease mechanism: loss of function.

Submission:

Labcorp Genetics (formerly Invitae), Labcorp
Classification: Uncertain significance for Developmental and epileptic encephalopathy, 1; Autosomal recessive spinocerebellar ataxia 12. Last evaluated: 2022-06-12. Review status: criteria provided, single submitter. Criteria: Invitae Variant Classification Sherloc (09022015). Collection method: clinical testing. Allele origin: germline.
Comment: In summary, the available evidence is currently insufficient to determine the role of this variant in disease. Therefore, it has been classified as a Variant of Uncertain Significance. Algorithms developed to predict the effect of sequence changes on RNA splicing suggest that this variant may create or strengthen a splice site. Experimental studies and prediction algorithms are not available or were not evaluated, and the functional significance of this variant is currently unknown. This variant has not been reported in the literature in individuals affected with WWOX-related conditions. This variant is not present in population databases (gnomAD no frequency). This sequence change disrupts the translational stop signal of the WWOX mRNA. It is expected to extend the length of the WWOX protein by 37 additional amino acid residues.

NM_016373.4(WWOX):c.1242del (p.Ter415LysextTer?)

Genes: MAF (MAF bZIP transcription factor; minus strand), WWOX (WW domain containing oxidoreductase; plus strand). Cytogenetic location: 16q23.2.
Variant type: Deletion.
Coding change: c.1242del on transcript NM_016373.4 (MANE Select); coding-DNA position 1242, one base deleted (C; older notation c.1242delC).
Protein change: p.Ter415LysextTer?.
Molecular consequence: frameshift variant.
Genome position (GRCh38, 1-based): chr16:79,211,793, C deleted. VCF-style (leftmost placement, unchanged base first): chr16-79211792-GC-G. GRCh37 (hg19) VCF-style: chr16-79245689-GC-G.
Other names: c.903del, p.Ter302LysextTer? (NM_001291997.2).
Identifiers: ClinVar variation 2005311 (VCV002005311.4), dbSNP rs2544385035, ClinGen allele CA2580092139.